The following is an entry in ClinVar:

ClinVar aggregate classification (germline): Likely pathogenic (1 of 4 stars; one submission).

Submission:

Quest Diagnostics Nichols Institute San Juan Capistrano
Classification: Likely pathogenic. Last evaluated: 2020-07-11. Review status: criteria provided, single submitter. Criteria: Quest Diagnostics criteria. Collection method: clinical testing. Allele origin: unknown.
Comment: Not found in the total gnomAD dataset, and the data is high quality. Found in at least one patient with expected phenotype for this gene. Assessment of experimental evidence suggests this variant results in abnormal protein function.

Literature cited by the submitters: PubMed 7838159; PubMed 24174637; PubMed 30976996.

NM_001354712.2(THRB):c.1287GAT[1] (p.Met430del)

Gene: THRB (thyroid hormone receptor beta; minus strand). Cytogenetic location: 3p24.2.
Variant type: Microsatellite.
Coding change: c.1287GAT[1] on transcript NM_001354712.2 (MANE Select); one copy of the 3-base unit GAT starting at c.1287; the reference has two copies in a row; one copy, 3 bases deleted.
Protein change: p.Met430del; deletes methionine 430.
Molecular consequence: inframe deletion.
Genome position (GRCh38, 1-based): chr3:24,122,978-24,122,980, ATC deleted on the plus strand (GAT on the coding strand, the reverse complement: THRB is on the minus strand); deleting any 3 consecutive bases within chr3:24,122,978-24,122,983 gives the same sequence; the position shown is the placement nearest the transcript's 3' end. VCF-style (leftmost placement, unchanged base first): chr3-24122977-TATC-T. GRCh37 (hg19) VCF-style: chr3-24164468-TATC-T.
Other names: c.1287GAT[1], p.Met430del (NM_000461.5, NM_001128176.3, NM_001128177.2 and 11 more transcripts); c.1194GAT[1], p.Met399del (NM_001354714.2, NM_001354715.2); c.1116GAT[1], p.Met373del (NM_001374827.1); short protein forms M373del, M399del, M430del.
Identifiers: ClinVar variation 993240 (VCV000993240.1), dbSNP rs2031967126, ClinGen allele CA1351822218.